The following is an entry in ClinVar:

ClinVar aggregate classification (germline): Likely benign. Review status: criteria provided, multiple submitters, no conflicts (2 of 4 stars). 2 submissions from 2 submitters: Likely benign (2). Last evaluated 2026-01-10.

Conditions:
Ataxia-telangiectasia syndrome (AT). Also called: LOUIS-BAR SYNDROME; Cerebello-oculocutaneous telangiectasia; Immunodeficiency with ataxia telangiectasia; Ataxia-telangiectasia, complementation group D; AT, COMPLEMENTATION GROUP C; Ataxia-telangiectasia, complementation group E. Identifiers: Orphanet 100, MedGen C0004135, MONDO:0008840, OMIM 208900.

Submissions (2):

Labcorp Genetics (formerly Invitae), Labcorp
Classification: Likely benign for Ataxia-telangiectasia syndrome. Last evaluated: 2026-01-10. Review status: criteria provided, single submitter. Criteria: Invitae Variant Classification Sherloc (09022015). Collection method: clinical testing. Allele origin: germline.

GeneDx
Classification: Likely benign. Last evaluated: 2016-12-02. Review status: criteria provided, single submitter. Criteria: GeneDx Variant Classification (06012015). Collection method: clinical testing. Allele origin: germline. Affected: yes.
Comment: This variant is considered likely benign or benign based on one or more of the following criteria: it is a conservative change, it occurs at a poorly conserved position in the protein, it is predicted to be benign by multiple in silico algorithms, and/or has population frequency not consistent with disease.

NM_000051.4(ATM):c.6572+20_6572+21del

Genes: ATM (ATM serine/threonine kinase; plus strand), C11orf65 (chromosome 11 open reading frame 65; minus strand). Cytogenetic location: 11q22.3.
Variant type: Deletion.
Coding change: c.6572+20_6572+21del on transcript NM_000051.4 (MANE Select); bases 20 to 21 of the intron after coding-DNA position 6572, 2 bases deleted (TT; older notation c.6572+20_6572+21delTT).
Molecular consequence: intron variant.
Genome position (GRCh38, 1-based): chr11:108,321,440-108,321,441, TT deleted; deleting any 2 consecutive bases within chr11:108,321,439-108,321,441 gives the same sequence; the c. name uses the placement nearest the transcript's 3' end. VCF-style (leftmost placement, unchanged base first): chr11-108321438-CTT-C. GRCh37 (hg19) VCF-style: chr11-108192165-CTT-C.
Other names: c.6572+20_6572+21del (NM_001351834.2); c.641-12369_641-12368del (NM_001330368.2); c.*39-12369_*39-12368del (NM_001351110.2); c.6572+20_6572+21delTT (NM_000051.3).
Identifiers: ClinVar variation 418039 (VCV000418039.10), dbSNP rs1064793041, ClinGen allele CA16619216.